The following is an entry in ClinVar:

ClinVar aggregate classification (germline): Uncertain significance. Review status: criteria provided, multiple submitters, no conflicts (2 of 4 stars). 2 submissions from 2 submitters: Uncertain significance (2). Last evaluated 2024-03-24.

Conditions:
Hereditary cancer-predisposing syndrome. Also called: Tumor predisposition; Hereditary Cancer Syndrome; Hereditary neoplastic syndrome; Neoplastic Syndromes, Hereditary. Identifiers: Orphanet 140162, MedGen C0027672, MeSH D009386, MONDO:0015356.
Familial meningioma. Also called: Meningioma, familial, susceptibility to. Identifiers: Orphanet 263662, MedGen C3551915, MONDO:0011789, OMIM 607174.

Submissions (2):

Baylor Genetics
Classification: Uncertain significance for Familial meningioma. Last evaluated: 2024-03-24. Review status: criteria provided, single submitter. Criteria: ACMG Guidelines, 2015. Collection method: clinical testing. Allele origin: unknown.

Ambry Genetics
Classification: Uncertain significance for Hereditary cancer-predisposing syndrome. Last evaluated: 2023-06-24. Review status: criteria provided, single submitter. Criteria: Ambry Variant Classification Scheme 2023. Collection method: clinical testing. Allele origin: germline.
Comment: The p.V526A variant (also known as c.1577T>C), located in coding exon 15 of the NF2 gene, results from a T to C substitution at nucleotide position 1577. The valine at codon 526 is replaced by alanine, an amino acid with similar properties. This amino acid position is conserved. In addition, the in silico prediction for this alteration is inconclusive. Since supporting evidence is limited at this time, the clinical significance of this alteration remains unclear.

NM_000268.4(NF2):c.1577T>C (p.Val526Ala)

Gene: NF2 (NF2, moesin-ezrin-radixin like (MERLIN) tumor suppressor; plus strand). Cytogenetic location: 22q12.2.
Variant type: single nucleotide variant.
Coding change: c.1577T>C on transcript NM_000268.4 (MANE Select); coding-DNA position 1577, T replaced by C.
Protein change: p.Val526Ala; replaces valine 526 with alanine.
Molecular consequence: missense variant. On other transcripts: intron variant (3).
Genome position (GRCh38, 1-based): chr22:29,681,441, T>C. VCF-style: chr22-29681441-T-C. GRCh37 (hg19) VCF-style: chr22-30077430-T-C.
Other names: c.1463T>C, p.Val488Ala (NM_001407053.1, NM_001407056.1); c.1454T>C, p.Val485Ala (NM_001407054.1, NM_001407058.1, NM_181829.3); c.1451T>C, p.Val484Ala (NM_001407055.1, NM_181828.3); c.1442T>C, p.Val481Ala (NM_001407057.1, NM_001407059.1); c.1319T>C, p.Val440Ala (NM_001407062.1); c.1328T>C, p.Val443Ala (NM_001407063.1, NM_181830.3, NM_181831.3); c.1043T>C, p.Val348Ala (NM_001407065.1); c.1577T>C, p.Val526Ala (NM_001407066.1, NM_016418.5, NM_181825.3 and 1 more transcripts); and 4 more; short protein forms V348A, V443A, V481A, V440A, V449A, V484A, V485A, V526A.
Identifiers: ClinVar variation 2624988 (VCV002624988.3), dbSNP rs2147122313, ClinGen allele CA411149990.